The following is an entry in ClinVar:

NM_024753.5(TTC21B):c.1190T>A (p.Leu397Ter)

Gene: TTC21B (tetratricopeptide repeat domain 21B; minus strand). Cytogenetic location: 2q24.3.
Variant type: single nucleotide variant.
Coding change: c.1190T>A on transcript NM_024753.5 (MANE Select); coding-DNA position 1190, T replaced by A.
Protein change: p.Leu397Ter; replaces leucine 397 with a stop codon.
Molecular consequence: nonsense.
Genome position (GRCh38, 1-based): chr2:165,929,331, A>T on the plus strand (T>A on the coding strand, the complement: TTC21B is on the minus strand). VCF-style: chr2-165929331-A-T. GRCh37 (hg19) VCF-style: chr2-166785841-A-T.
Other names: short protein forms L397*.
Identifiers: ClinVar variation 4998921 (VCV004998921.1).
Genomic context (GRCh38, chr2:165,929,331, plus strand): 5'-TTAATAACTTCTTCTTGTCGTTTATTTTTCTTCATGGCAAGAACTGCATGTAAATAGATT[A>T]ATTCCTAGAAAATAAGTAGTTTTCATAAATTATTCCATTTAGTTATAAAGCCATTTATTT-3'

ClinVar aggregate classification (germline): Likely pathogenic (1 of 4 stars; one submission).

Conditions:
TTC21B-related disorder. Also called: TTC21B-related condition; TTC21B-related disorders.

Submission:

PreventionGenetics, part of Exact Sciences
Classification: Likely pathogenic for TTC21B-related condition. Last evaluated: 2025-04-22. Review status: criteria provided, single submitter. Criteria: ACMG Guidelines, 2015. Collection method: clinical testing. Allele origin: germline.
Comment: The TTC21B c.1190T>A variant is predicted to result in premature protein termination (p.Leu397*). To our knowledge, this variant has not been reported in the literature or in a large population database (gnomAD), indicating this variant is rare. Nonsense variants in TTC21B are expected to be pathogenic. This variant is interpreted as likely pathogenic.